The following is an entry in ClinVar:

ClinVar aggregate classification (germline): Likely pathogenic (1 of 4 stars; one submission).

Conditions:
Developmental and epileptic encephalopathy, 48 (DEE48). Also called: Epileptic encephalopathy, early infantile, 48. Identifiers: MedGen C4310637, MONDO:0015000, OMIM 617276.

Submission:

Variantyx, Inc.
Classification: Likely pathogenic for Developmental and epileptic encephalopathy, 48. Last evaluated: 2025-03-17. Review status: criteria provided, single submitter. Criteria: Variantyx Assertion Criteria 2022. Collection method: clinical testing. Allele origin: germline.
Comment: This is a frameshift variant in the AP3B2 gene (OMIM: 602166). Pathogenic variants in this gene have been associated with autosomal recessive developmental and epileptic encephalopathy 48. This variant introduces a premature termination codon in exon 20 out of 27. It is expected to result in loss of function, which is a known disease mechanism for AP3B2 in this disorder (PMID: 27889060) (PVS1). This variant is absent from control populations (PM2_Supporting). This variant has not been reported in individuals with AP3B2-related disorders in the databases available for review. Based on the current evidence, this variant is classified as likely pathogenic for autosomal recessive developmental and epileptic encephalopathy 48.

NM_001278512.2(AP3B2):c.2262-34_2268del

Genes: AP3B2 (adaptor related protein complex 3 subunit beta 2; minus strand), CPEB1-AS1 (CPEB1 antisense RNA 1; plus strand). Cytogenetic location: 15q25.2.
Variant type: Deletion.
Coding change: c.2262-34_2268del on transcript NM_001278512.2 (MANE Select); 34 bases into the intron before coding-DNA position 2262 through coding-DNA position 2268, 41 bases deleted.
Molecular consequence: splice acceptor variant.
Genome position (GRCh38, 1-based): chr15:82,663,969-82,664,009, 41 bases deleted; deleting any 41 consecutive bases within chr15:82,663,969-82,664,012 gives the same sequence; the c. name uses the placement nearest the transcript's 3' end. GRCh37 (hg19): chr15:83,332,724-83,332,764.
Other names: c.2262-34_2268delGCCAGGCCTGAGCCAACCTTTCCCACTCCTTCAGTGAACAG (NM_001278512.2); c.2109-34_2115del (NM_001278511.2); c.2205-34_2211del (NM_004644.5).
Identifiers: ClinVar variation 4759258 (VCV004759258.1).
Genomic context (GRCh38, chr15:82,663,968, plus strand): 5'-ACGCTTCTCCTTTTCTCTCTGGCACCTTCTTCTTTGTCTTCCTCTTACCATCCTCCTCAC[TCTGTTCACTGAAGGAGTGGGAAAGGTTGGCTCAGGCCTGGC>T]CTGGACACTCCCTCCTTGCTTCACAGAAGCAGGAGAAATGCTGAAAAGCTGGAGTGGTGT-3'